The following is an entry in ClinVar:

NM_001110556.2(FLNA):c.7577G>C (p.Ser2526Thr)

Genes: FLNA (filamin A; minus strand), LOC107988032 (Xq28 proximal FLNA-EMD recombination region; plus strand). Cytogenetic location: Xq28.
Variant type: single nucleotide variant.
Coding change: c.7577G>C on transcript NM_001110556.2 (MANE Select); coding-DNA position 7577, G replaced by C.
Protein change: p.Ser2526Thr; replaces serine 2526 with threonine.
Molecular consequence: missense variant.
Genome position (GRCh38, 1-based): chrX:154,349,541, C>G on the plus strand (G>C on the coding strand, the complement: FLNA is on the minus strand). VCF-style: chrX-154349541-C-G. GRCh37 (hg19) VCF-style: chrX-153577909-C-G.
Other names: c.7553G>C, p.Ser2518Thr (NM_001456.4); short protein forms S2518T, S2526T.
Identifiers: ClinVar variation 4789567 (VCV004789567.1).
Genomic context (GRCh38, chrX:154,349,541, plus strand): 5'-TGGGGGGCACAGGTGGCCTTGGTCAGAGAGTCTACAAACACTGATGATGTCTCGTGGAGG[C>G]TGTGGTTGCTGACGAGACGGGGGCCTGCAAGGCAGAGTGGGTGGGGCTAAGAGGTGGCTG-3'
Protein context (NP_001104026.1, residues 2516-2536): VTGPRLVSNH[Ser2526Thr]LHETSSVFVD

ClinVar aggregate classification (germline): Uncertain significance (1 of 4 stars; one submission).

Conditions:
Heterotopia, periventricular, X-linked dominant (PVNH1). Also called: PERIVENTRICULAR NODULAR HETEROTOPIA 4; HETEROTOPIA, PERIVENTRICULAR, 1; PERIVENTRICULAR NODULAR HETEROTOPIA 1; X-linked periventricular heterotopia. Identifiers: Orphanet 2149, Orphanet 82004, MedGen C1848213, MONDO:0010233, OMIM 300049.
Oto-palato-digital syndrome, type II (OPD2). Also called: Otopalatodigital Syndrome, Type II; FACIOPALATOOSSEOUS SYNDROME; OPD II SYNDROME; Otopalatodigital Syndrome Type 2 (FLNA-OPD2). Identifiers: Orphanet 669, Orphanet 90652, MedGen C1844696, MONDO:0010571, OMIM 304120.
Melnick-Needles syndrome (MNS). Also called: MELNICK-NEEDLES OSTEODYSPLASTY; OSTEODYSPLASTY OF MELNICK AND NEEDLES; Melnick-Needles Syndrome (FLNA-MNS). Identifiers: Orphanet 2484, MedGen C0025237, MONDO:0010650, OMIM 309350.
Frontometaphyseal dysplasia (FMD1). Identifiers: Orphanet 1826, MedGen C0265293, MONDO:0015942.

Submission:

Labcorp Genetics (formerly Invitae), Labcorp
Classification: Uncertain significance for Oto-palato-digital syndrome, type II; Heterotopia, periventricular, X-linked dominant; Frontometaphyseal dysplasia; Melnick-Needles syndrome. Last evaluated: 2025-05-02. Review status: criteria provided, single submitter. Criteria: Invitae Variant Classification Sherloc (09022015). Collection method: clinical testing. Allele origin: germline.
Comment: This sequence change replaces serine, which is neutral and polar, with threonine, which is neutral and polar, at codon 2518 of the FLNA protein (p.Ser2518Thr). This variant is not present in population databases (gnomAD no frequency). This variant has not been reported in the literature in individuals affected with FLNA-related conditions. Invitae Evidence Modeling of protein sequence and biophysical properties (such as structural, functional, and spatial information, amino acid conservation, physicochemical variation, residue mobility, and thermodynamic stability) indicates that this missense variant is not expected to disrupt FLNA protein function with a negative predictive value of 95%. In summary, the available evidence is currently insufficient to determine the role of this variant in disease. Therefore, it has been classified as a Variant of Uncertain Significance.